The following is an entry in ClinVar:

NM_002778.4(PSAP):c.763A>T (p.Met255Leu)

Gene: PSAP (prosaposin; minus strand). Cytogenetic location: 10q22.1.
Variant type: single nucleotide variant.
Coding change: c.763A>T on transcript NM_002778.4 (MANE Select); coding-DNA position 763, A replaced by T.
Protein change: p.Met255Leu; replaces methionine 255 with leucine.
Molecular consequence: missense variant.
Genome position (GRCh38, 1-based): chr10:71,825,851, T>A on the plus strand (A>T on the coding strand, the complement: PSAP is on the minus strand). VCF-style: chr10-71825851-T-A. GRCh37 (hg19) VCF-style: chr10-73585608-T-A.
Other names: c.763A>T, p.Met255Leu (NM_001042466.3, NM_001042465.3); short protein forms M255L.
Identifiers: ClinVar variation 1441477 (VCV001441477.6), dbSNP rs773349568, ClinGen allele CA377149189.

ClinVar aggregate classification (germline): Uncertain significance (1 of 4 stars; one submission).

Conditions:
Sphingolipid activator protein 1 deficiency. Also called: Saposin B Deficiency; METACHROMATIC LEUKODYSTROPHY DUE TO CEREBROSIDE SULFATASE ACTIVATOR DEFICIENCY; Metachromatic leukodystrophy due to saposin B deficiency. Identifiers: Orphanet 512, MedGen C0268262, MONDO:0009590, OMIM 249900.

gnomAD v4.1: 2 of 1,613,410 alleles (0.00012%); highest among the groups gnomAD compares: Non-Finnish European, 0.00017%; no homozygotes.

Submission:

Labcorp Genetics (formerly Invitae), Labcorp
Classification: Uncertain significance for Sphingolipid activator protein 1 deficiency. Last evaluated: 2021-04-30. Review status: criteria provided, single submitter. Criteria: Invitae Variant Classification Sherloc (09022015). Collection method: clinical testing. Allele origin: germline.
Comment: In summary, the available evidence is currently insufficient to determine the role of this variant in disease. Therefore, it has been classified as a Variant of Uncertain Significance. Algorithms developed to predict the effect of missense changes on protein structure and function are either unavailable or do not agree on the potential impact of this missense change (SIFT: "Not Available"; PolyPhen-2: "Benign"; Align-GVGD: "Not Available"). This variant has not been reported in the literature in individuals with PSAP-related conditions. This variant is not present in population databases (ExAC no frequency). This sequence change replaces methionine with leucine at codon 255 of the PSAP protein (p.Met255Leu). The methionine residue is moderately conserved and there is a small physicochemical difference between methionine and leucine.